The following is an entry in ClinVar:

NM_001002295.2(GATA3):c.779-1748C>A

Gene: GATA3 (GATA binding protein 3; plus strand). Cytogenetic location: 10p14.
Variant type: single nucleotide variant.
Coding change: c.779-1748C>A on transcript NM_001002295.2 (MANE Select); 1748 bases into the intron before coding-DNA position 779, C replaced by A.
Molecular consequence: intron variant.
Genome position (GRCh38, 1-based): chr10:8,062,245, C>A. VCF-style: chr10-8062245-C-A. GRCh37 (hg19) VCF-style: chr10-8104208-C-A.
Other names: c.779-1751C>A (NM_002051.3).
Identifiers: ClinVar variation 1223371 (VCV001223371.4), dbSNP rs3824662, ClinGen allele CA13142247.

ClinVar aggregate classification (germline): Benign. Review status: criteria provided, multiple submitters, no conflicts (2 of 4 stars). 2 submissions from 2 submitters: Benign (2). Last evaluated 2024-11-04.

Conditions:
B-cell childhood acute lymphoblastic leukemia. Identifiers: MedGen C0279584, MONDO:0000872.

Allele frequency attached by ClinVar (database versions not stated): gnomAD 0.17386; TOPMed 0.18542; 1000 Genomes Project 30x 0.19363; 1000 Genomes Project 0.19589.
gnomAD v4.1: 27,042 of 151,898 alleles (18%); highest among the groups gnomAD compares: East Asian, 29%; 2,831 homozygotes.

Submissions (2):

Genetics and Cancer Laboratory, National Institute of Pediatrics, Mexico
Classification: Benign for B-cell childhood acute lymphoblastic leukemia. Last evaluated: 2024-11-04. Review status: criteria provided, single submitter. Criteria: ACMG Guidelines, 2015. Collection method: case-control. Allele origin: germline. Affected: yes and no. Observed: 260 variant alleles.
Comment: According to several reports the germline classificaction is Benign. However in the Mexican population, we have identified that the A allele was more frequent in children with acute lymphoblastic leukemia (ALL) than controls. In different populations this variant is associated with susceptibility to developing childhood ALL. We clearly observed that the A allele was associated with the risk of developing ALL in Mexican children. These results would be the first to demostrate the association between this variant and the disease in our country. Based on ACMG Guidelines 2015, this varians could be classified as BS1 (Allele frequency is greater than expected for disorder).

GeneDx
Classification: Benign. Last evaluated: 2020-09-10. Review status: criteria provided, single submitter. Criteria: GeneDx Variant Classification Process June 2021. Collection method: clinical testing. Allele origin: germline. Affected: yes.
Comment: This variant is associated with the following publications: (PMID: 30859636, 23996088, 24141364, 24203929)

Literature cited by the submitters: PubMed 30859636 (cited by Genetics and Cancer Laboratory, National Institute of Pediatrics, Mexico); PubMed 23996088 (cited by Genetics and Cancer Laboratory, National Institute of Pediatrics, Mexico); PubMed 24141364 (cited by Genetics and Cancer Laboratory, National Institute of Pediatrics, Mexico); PubMed 24203929 (cited by Genetics and Cancer Laboratory, National Institute of Pediatrics, Mexico).